The following is an entry in ClinVar:

ClinVar aggregate classification (germline): Benign/Likely benign. Review status: criteria provided, multiple submitters, no conflicts (2 of 4 stars). 7 submissions from 7 submitters: Benign (2); Likely benign (3). 2 of the submissions do not count toward it. Last evaluated 2026-08-01.

Conditions:
CEP120-related disorder. Also called: CEP120-Related Disorders; CEP120-related condition.
Short-rib thoracic dysplasia 13 with or without polydactyly (SRTD13). Identifiers: Orphanet 474, MedGen C4225378, MONDO:0014577, OMIM 616300.
Inborn genetic diseases. Identifiers: MedGen C0950123, MeSH D030342.

Allele frequency attached by ClinVar (database versions not stated): 1000 Genomes Project 30x 0.00125; 1000 Genomes Project 0.00140; TOPMed 0.00317; ESP Exome Variant Server 0.00414.
gnomAD v4.1: 7,819 of 1,614,142 alleles (0.48%); highest among the groups gnomAD compares: Non-Finnish European, 0.6%; 27 homozygotes.

Submissions (7):

CeGaT Center for Human Genetics Tuebingen
Classification: Likely benign. Last evaluated: 2026-08-01. Review status: criteria provided, single submitter. Criteria: CeGaT Center For Human Genetics Tuebingen Variant Classification Criteria Version 2. Collection method: clinical testing. Allele origin: germline. Affected: yes. Observed: 26 variant alleles.
Comment: CEP120: BP4, BS2

Labcorp Genetics (formerly Invitae), Labcorp
Classification: Benign for Short-rib thoracic dysplasia 13 with or without polydactyly. Last evaluated: 2026-01-02. Review status: criteria provided, single submitter. Criteria: Invitae Variant Classification Sherloc (09022015). Collection method: clinical testing. Allele origin: germline.

Blueprint Genetics
Classification: Likely benign. Last evaluated: 2024-11-25. Review status: criteria provided, single submitter. Criteria: ACMG Guidelines, 2015. Collection method: clinical testing. Allele origin: germline.

Ambry Genetics
Classification: Likely benign for Inborn genetic diseases. Last evaluated: 2022-01-10. Review status: criteria provided, single submitter. Criteria: Ambry Variant Classification Scheme 2023. Collection method: clinical testing. Allele origin: germline.

GeneDx
Classification: Benign. Last evaluated: 2018-12-17. Review status: criteria provided, single submitter. Criteria: GeneDx Variant Classification Process June 2021. Collection method: clinical testing. Allele origin: germline. Affected: yes.

Genetic Services Laboratory, University of Chicago
Classification: Likely benign. Last evaluated: 2022-12-27. Review status: no assertion criteria provided. Collection method: clinical testing. Allele origin: germline. Affected: no. Not counted in ClinVar's aggregate classification.

PreventionGenetics, part of Exact Sciences
Classification: Likely benign for CEP120-related condition. Last evaluated: 2019-07-29. Review status: no assertion criteria provided. Collection method: clinical testing. Allele origin: germline. Not counted in ClinVar's aggregate classification.
Comment: This variant is classified as likely benign based on ACMG/AMP sequence variant interpretation guidelines (Richards et al. 2015 PMID: 25741868, with internal and published modifications).

NM_001375405.1(CEP120):c.779G>A (p.Arg260His)

Gene: CEP120 (centrosomal protein 120; minus strand). Cytogenetic location: 5q23.2.
Variant type: single nucleotide variant.
Coding change: c.779G>A on transcript NM_001375405.1 (MANE Select); coding-DNA position 779, G replaced by A.
Protein change: p.Arg260His; replaces arginine 260 with histidine.
Molecular consequence: missense variant. On other transcripts: non-coding transcript variant (1).
Genome position (GRCh38, 1-based): chr5:123,393,331, C>T on the plus strand (G>A on the coding strand, the complement: CEP120 is on the minus strand). VCF-style: chr5-123393331-C-T. GRCh37 (hg19) VCF-style: chr5-122729025-C-T.
Other names: c.701G>A, p.Arg234His (NM_001166226.2); c.779G>A, p.Arg260His (NM_001375406.1, NM_001375407.1, NM_153223.4); c.206G>A, p.Arg69His (NM_001375408.1, NM_001375409.1); short protein forms R260H, R234H, R69H.
Identifiers: ClinVar variation 707490 (VCV000707490.51), dbSNP rs189429890, ClinGen allele CA3387142.